The following is an entry in ClinVar:

ClinVar aggregate classification (germline): Uncertain significance (1 of 4 stars; one submission).

Submission:

Labcorp Genetics (formerly Invitae), Labcorp
Classification: Uncertain significance. Last evaluated: 2024-06-26. Review status: criteria provided, single submitter. Criteria: Invitae Variant Classification Sherloc (09022015). Collection method: clinical testing. Allele origin: germline.
Comment: This sequence change falls in intron 36 of the COL2A1 gene. It does not directly change the encoded amino acid sequence of the COL2A1 protein. It affects a nucleotide within the consensus splice site. This variant is not present in population databases (gnomAD no frequency). This variant has not been reported in the literature in individuals affected with COL2A1-related conditions. Variants that disrupt the consensus splice site are a relatively common cause of aberrant splicing (PMID: 17576681, 9536098). Algorithms developed to predict the effect of sequence changes on RNA splicing suggest that this variant is not likely to affect RNA splicing. In summary, the available evidence is currently insufficient to determine the role of this variant in disease. Therefore, it has been classified as a Variant of Uncertain Significance.

Literature cited by the submitters: PubMed 17576681; PubMed 9536098.

NM_001844.5(COL2A1):c.2409+4A>C

Gene: COL2A1 (collagen type II alpha 1 chain; minus strand). Cytogenetic location: 12q13.11.
Variant type: single nucleotide variant.
Coding change: c.2409+4A>C on transcript NM_001844.5 (MANE Select); 4 bases into the intron after coding-DNA position 2409, A replaced by C.
Molecular consequence: intron variant.
Genome position (GRCh38, 1-based): chr12:47,981,772, T>G on the plus strand (A>C on the coding strand, the complement: COL2A1 is on the minus strand). VCF-style: chr12-47981772-T-G. GRCh37 (hg19) VCF-style: chr12-48375555-T-G.
Other names: c.2202+4A>C (NM_033150.3).
Identifiers: ClinVar variation 3657185 (VCV003657185.2).